The following is an entry in ClinVar:

ClinVar aggregate classification (germline): Conflicting classifications of pathogenicity. Review status: criteria provided, conflicting classifications (1 of 4 stars). 3 submissions from 3 submitters: Likely pathogenic (1); Uncertain significance (2). Last evaluated 2026-08-28.

Conditions:
Pyridoxal phosphate-responsive seizures (PNPOD). Also called: EPILEPTIC ENCEPHALOPATHY, NEONATAL, PNPO-RELATED; Pyridoxine-5'-phosphate oxidase deficiency; SEIZURES, PYRIDOXINE-RESISTANT, PLP-SENSITIVE; Pyridoxamine 5-Prime-Phosphate Oxidase Deficiency; Pyridoxal 5'-Phosphate (PLP)-Dependent Epilepsy. Identifiers: Orphanet 79096, MedGen C1864723, MONDO:0012407, OMIM 610090. Disease mechanism: loss of function.

Allele frequency attached by ClinVar (database versions not stated): ExAC 0.00001; TOPMed 0.00005.
gnomAD v4.1: 17 of 1,614,046 alleles (0.0011%); highest among the groups gnomAD compares: African/African-American, 0.02%; no homozygotes.

Submissions (3):

GeneDx
Classification: Likely pathogenic. Last evaluated: 2026-08-28. Review status: criteria provided, single submitter. Criteria: GeneDx Variant Classification Process June 2021. Collection method: clinical testing. Allele origin: germline.
Comment: Not observed at significant frequency in large population cohorts (gnomAD); In silico analysis supports that this missense variant has a deleterious effect on protein structure/function; This variant is associated with the following publications: (PMID: 36106796)

Women's Health and Genetics/Laboratory Corporation of America, LabCorp
Classification: Uncertain significance. Last evaluated: 2024-07-03. Review status: criteria provided, single submitter. Criteria: LabCorp Variant Classification Summary - May 2015. Collection method: clinical testing. Allele origin: germline.
Comment: Variant summary: PNPO c.700C>T (p.Arg234Trp) results in a non-conservative amino acid change located in the Pyridoxine 5'-phosphate oxidase, dimerisation, C-terminal domain (IPR019576) of the encoded protein sequence. Five of five in-silico tools predict a damaging effect of the variant on protein function. The variant allele was found at a frequency of 4e-06 in 251466 control chromosomes. The available data on variant occurrences in the general population are insufficient to allow any conclusion about variant significance. c.700C>T has been reported in the literature in at least one compound heterozygous individual affected with Pyridoxal 5'-Phosphate-Dependent Epilepsy (Jiao_2023). These data do not allow any conclusion about variant significance. To our knowledge, no experimental evidence demonstrating an impact on protein function has been reported. The following publication has been ascertained in the context of this evaluation (PMID: 36106796). ClinVar contains an entry for this variant (Variation ID: 206454). Based on the evidence outlined above, the variant was classified as uncertain significance.

Labcorp Genetics (formerly Invitae), Labcorp
Classification: Uncertain significance for Pyridoxal phosphate-responsive seizures. Last evaluated: 2021-08-28. Review status: criteria provided, single submitter. Criteria: Invitae Variant Classification Sherloc (09022015). Collection method: clinical testing. Allele origin: germline.
Comment: This sequence change replaces arginine with tryptophan at codon 234 of the PNPO protein (p.Arg234Trp). The arginine residue is moderately conserved and there is a moderate physicochemical difference between arginine and tryptophan. This variant is present in population databases (rs368943864, ExAC 0.01%). This variant has not been reported in the literature in individuals affected with PNPO-related conditions. ClinVar contains an entry for this variant (Variation ID: 206454). Algorithms developed to predict the effect of missense changes on protein structure and function are either unavailable or do not agree on the potential impact of this missense change (SIFT: "Deleterious"; PolyPhen-2: "Probably Damaging"; Align-GVGD: "Class C0"). Algorithms developed to predict the effect of sequence changes on RNA splicing suggest that this variant may create or strengthen a splice site. In summary, the available evidence is currently insufficient to determine the role of this variant in disease. Therefore, it has been classified as a Variant of Uncertain Significance.

Literature cited by the submitters: PubMed 36106796 (cited by Women's Health and Genetics/Laboratory Corporation of America, LabCorp).

NM_018129.4(PNPO):c.700C>T (p.Arg234Trp)

Gene: PNPO (pyridoxamine 5'-phosphate oxidase; plus strand). Cytogenetic location: 17q21.32.
Variant type: single nucleotide variant.
Coding change: c.700C>T on transcript NM_018129.4 (MANE Select); coding-DNA position 700, C replaced by T.
Protein change: p.Arg234Trp; replaces arginine 234 with tryptophan.
Molecular consequence: missense variant.
Genome position (GRCh38, 1-based): chr17:47,946,696, C>T. VCF-style: chr17-47946696-C-T. GRCh37 (hg19) VCF-style: chr17-46024062-C-T.
Other names: p.R234W:CGG>TGG; short protein forms R234W.
Identifiers: ClinVar variation 206454 (VCV000206454.10), dbSNP rs368943864, ClinGen allele CA316572.